The following is an entry in ClinVar:

NM_000256.3(MYBPC3):c.3617del (p.Gly1206fs)

Gene: MYBPC3 (myosin binding protein C3; minus strand). Cytogenetic location: 11p11.2.
Variant type: Deletion.
Coding change: c.3617del on transcript NM_000256.3 (MANE Select); coding-DNA position 3617, one base deleted (G; older notation c.3617delG).
Protein change: p.Gly1206fs; shifts the reading frame from glycine 1206.
Molecular consequence: frameshift variant.
Genome position (GRCh38, 1-based): chr11:47,332,576, C deleted on the plus strand (G on the coding strand, the reverse complement: MYBPC3 is on the minus strand); the first of 4 consecutive C bases (chr11:47,332,576-47,332,579); deleting any one gives the same sequence. VCF-style (leftmost placement, unchanged base first): chr11-47332575-AC-A. GRCh37 (hg19) VCF-style: chr11-47354126-AC-A.
Other names: c.3617del, p.Gly1206fs (LRG_386t1); c.3617delG (NM_000256.3); short protein forms G1206fs.
Identifiers: ClinVar variation 407336 (VCV000407336.12), dbSNP rs1060501484, ClinGen allele CA16613343.

ClinVar aggregate classification (germline): Pathogenic. Review status: criteria provided, multiple submitters, no conflicts (2 of 4 stars). 3 submissions from 3 submitters: Pathogenic (3). Last evaluated 2025-12-16.

Conditions:
Cardiomyopathy (CMYO). Also called: Cardiomyopathies. Identifiers: Orphanet 167848, MedGen C0878544, MONDO:0004994, HP:0001638. Inheritance: Various modes of inheritance.
Hypertrophic cardiomyopathy. Also called: HYPERTROPHIC MYOCARDIOPATHY. Identifiers: Orphanet 217569, MedGen C0007194, MeSH D002312, MONDO:0005045, HP:0001639.

Submissions (3):

Labcorp Genetics (formerly Invitae), Labcorp
Classification: Pathogenic for Hypertrophic cardiomyopathy. Last evaluated: 2025-12-16. Review status: criteria provided, single submitter. Criteria: Invitae Variant Classification Sherloc (09022015). Collection method: clinical testing. Allele origin: germline.
Comment: This sequence change creates a premature translational stop signal (p.Gly1206Valfs*31) in the MYBPC3 gene. It is expected to result in an absent or disrupted protein product. Loss-of-function variants in MYBPC3 are known to be pathogenic (PMID: 19574547). This variant is not present in population databases (gnomAD no frequency). This premature translational stop signal has been observed in individuals with hypertrophic cardiomyopathy (PMID: 23674513, 27532257, 28790153). ClinVar contains an entry for this variant (Variation ID: 407336). For these reasons, this variant has been classified as Pathogenic.

GeneDx
Classification: Pathogenic. Last evaluated: 2019-05-23. Review status: criteria provided, single submitter. Criteria: GeneDx Variant Classification Process June 2021. Collection method: clinical testing. Allele origin: germline. Affected: yes.
Comment: Reported in ClinVar as pathogenic (ClinVar Variant ID# 407336; Landrum et al., 2016); Not observed in large population cohorts (Lek et al., 2016); Frameshift variant predicted to result in nonsense mediated decay in a gene for which loss-of-function is a known mechanism of disease; This variant is associated with the following publications: (PMID: 28790153, 23674513, 27532257)

CHEO Genetics Diagnostic Laboratory, Children's Hospital of Eastern Ontario
Classification: Pathogenic for Cardiomyopathy. Last evaluated: 2017-11-16. Review status: criteria provided, single submitter. Criteria: ACMG Guidelines, 2015. Collection method: clinical testing. Allele origin: germline.

Literature cited by the submitters: PubMed 19574547 (cited by Labcorp Genetics (formerly Invitae), Labcorp); PubMed 23674513 (cited by Labcorp Genetics (formerly Invitae), Labcorp); PubMed 27532257 (cited by Labcorp Genetics (formerly Invitae), Labcorp); PubMed 28790153 (cited by Labcorp Genetics (formerly Invitae), Labcorp).